The following is an entry in ClinVar:

ClinVar aggregate classification (germline): Uncertain significance (1 of 4 stars; one submission).

Submission:

GeneDx
Classification: Uncertain significance. Last evaluated: 2023-11-28. Review status: criteria provided, single submitter. Criteria: GeneDx Variant Classification Process June 2021. Collection method: clinical testing. Allele origin: germline. Affected: yes.
Comment: Not observed at significant frequency in large population cohorts (gnomAD); In silico analysis supports that this missense variant does not alter protein structure/function; Has not been previously published as pathogenic or benign to our knowledge

NM_005257.6(GATA6):c.536C>G (p.Ala179Gly)

Gene: GATA6 (GATA binding protein 6; plus strand). Cytogenetic location: 18q11.2.
Variant type: single nucleotide variant.
Coding change: c.536C>G on transcript NM_005257.6 (MANE Select); coding-DNA position 536, C replaced by G.
Protein change: p.Ala179Gly; replaces alanine 179 with glycine.
Molecular consequence: missense variant.
Genome position (GRCh38, 1-based): chr18:22,171,680, C>G. VCF-style: chr18-22171680-C-G. GRCh37 (hg19) VCF-style: chr18-19751641-C-G.
Other names: short protein forms A179G.
Identifiers: ClinVar variation 3364946 (VCV003364946.1).